The following is an entry in ClinVar:

ClinVar aggregate classification (germline): Uncertain significance (1 of 4 stars; one submission).

Conditions:
Cardiovascular phenotype. Identifiers: MedGen CN230736.

gnomAD v4.1: 2 of 1,613,720 alleles (0.00012%); highest among the groups gnomAD compares: Non-Finnish European, 0.00017%; no homozygotes.

Submission:

Ambry Genetics
Classification: Uncertain significance for Cardiovascular phenotype. Last evaluated: 2026-04-12. Review status: criteria provided, single submitter. Criteria: Ambry Variant Classification Scheme 2023. Collection method: clinical testing. Allele origin: germline.
Comment: The p.Q831R variant (also known as c.2492A>G), located in coding exon 15 of the DSC2 gene, results from an A to G substitution at nucleotide position 2492. The glutamine at codon 831 is replaced by arginine, an amino acid with highly similar properties. This amino acid position is conserved. In addition, the in silico prediction for this alteration is inconclusive. Based on the available evidence, the clinical significance of this variant remains unclear.

NM_024422.6(DSC2):c.2492A>G (p.Gln831Arg)

Gene: DSC2 (desmocollin 2; minus strand). Cytogenetic location: 18q12.1.
Variant type: single nucleotide variant.
Coding change: c.2492A>G on transcript NM_024422.6 (MANE Select); coding-DNA position 2492, A replaced by G.
Protein change: p.Gln831Arg; replaces glutamine 831 with arginine.
Molecular consequence: missense variant.
Genome position (GRCh38, 1-based): chr18:31,068,910, T>C on the plus strand (A>G on the coding strand, the complement: DSC2 is on the minus strand). VCF-style: chr18-31068910-T-C. GRCh37 (hg19) VCF-style: chr18-28648876-T-C.
Other names: c.2063A>G, p.Gln688Arg (NM_001406507.1, NM_001406506.1); c.2492A>G, p.Gln831Arg (NM_004949.5); short protein forms Q688R, Q831R.
Identifiers: ClinVar variation 4870104 (VCV004870104.1).